The following is an entry in ClinVar:

NM_002361.4(MAG):c.1273C>T (p.Arg425Ter)

Gene: MAG (myelin associated glycoprotein; plus strand). Cytogenetic location: 19q13.12.
Variant type: single nucleotide variant.
Coding change: c.1273C>T on transcript NM_002361.4 (MANE Select); coding-DNA position 1273, C replaced by T.
Protein change: p.Arg425Ter; replaces arginine 425 with a stop codon.
Molecular consequence: nonsense.
Genome position (GRCh38, 1-based): chr19:35,309,915, C>T. VCF-style: chr19-35309915-C-T. GRCh37 (hg19) VCF-style: chr19-35800818-C-T.
Other names: c.1198C>T, p.Arg400Ter (NM_001199216.2); c.1273C>T, p.Arg425Ter (NM_080600.3); short protein forms R425*, R400*.
Identifiers: ClinVar variation 4703049 (VCV004703049.1).

ClinVar aggregate classification (germline): Pathogenic (1 of 4 stars; one submission).

Conditions:
Hereditary spastic paraplegia 75. Also called: Spastic paraplegia 75, autosomal recessive. Identifiers: Orphanet 459056, MedGen C4225250, MONDO:0014729, OMIM 616680.

gnomAD v4.1: 1 of 1,613,628 alleles (0.000062%); highest among the groups gnomAD compares: Admixed American, 0.0017%; no homozygotes.

Submission:

Labcorp Genetics (formerly Invitae), Labcorp
Classification: Pathogenic for Hereditary spastic paraplegia 75. Last evaluated: 2025-08-15. Review status: criteria provided, single submitter. Criteria: Invitae Variant Classification Sherloc (09022015). Collection method: clinical testing. Allele origin: germline.
Comment: This sequence change creates a premature translational stop signal (p.Arg425*) in the MAG gene. It is expected to result in an absent or disrupted protein product. Loss-of-function variants in MAG are known to be pathogenic (PMID: 32629324). This variant is not present in population databases (gnomAD no frequency). This variant has not been reported in the literature in individuals affected with MAG-related conditions. For these reasons, this variant has been classified as Pathogenic.

Literature cited by the submitters: PubMed 32629324.